The following is an entry in ClinVar:

ClinVar aggregate classification (germline): Uncertain significance (1 of 4 stars; one submission).

Conditions:
Baller-Gerold syndrome (BGS). Also called: CRANIOSYNOSTOSIS WITH RADIAL DEFECTS. Identifiers: Orphanet 1225, MedGen C0265308, MONDO:0009039, OMIM 218600.

Allele frequency attached by ClinVar (database versions not stated): gnomAD exomes below 0.00001 and 0.00001; ExAC 0.00001.

Submission:

Labcorp Genetics (formerly Invitae), Labcorp
Classification: Uncertain significance for Baller-Gerold syndrome. Last evaluated: 2021-07-14. Review status: criteria provided, single submitter. Criteria: Invitae Variant Classification Sherloc (09022015). Collection method: clinical testing. Allele origin: germline.
Comment: This sequence change replaces valine with alanine at codon 783 of the RECQL4 protein (p.Val783Ala). The valine residue is highly conserved and there is a small physicochemical difference between valine and alanine. This variant is present in population databases (rs764988329, ExAC 0.002%). This variant has not been reported in the literature in individuals affected with RECQL4-related conditions. Experimental studies and prediction algorithms are not available or were not evaluated, and the functional significance of this variant is currently unknown. In summary, the available evidence is currently insufficient to determine the role of this variant in disease. Therefore, it has been classified as a Variant of Uncertain Significance.

NM_004260.4(RECQL4):c.2348T>C (p.Val783Ala)

Gene: RECQL4 (RecQ like helicase 4; minus strand). Cytogenetic location: 8q24.3.
Variant type: single nucleotide variant.
Coding change: c.2348T>C on transcript NM_004260.4 (MANE Select); coding-DNA position 2348, T replaced by C.
Protein change: p.Val783Ala; replaces valine 783 with alanine.
Molecular consequence: missense variant.
Genome position (GRCh38, 1-based): chr8:144,513,333, A>G on the plus strand (T>C on the coding strand, the complement: RECQL4 is on the minus strand). VCF-style: chr8-144513333-A-G. GRCh37 (hg19) VCF-style: chr8-145738716-A-G.
Other names: short protein forms V783A.
Identifiers: ClinVar variation 1423745 (VCV001423745.4), dbSNP rs764988329, ClinGen allele CA4948324.